The following is an entry in ClinVar:

NM_003803.4(MYOM1):c.4961C>T (p.Ser1654Leu)

Gene: MYOM1 (myomesin 1; minus strand). Cytogenetic location: 18p11.31.
Variant type: single nucleotide variant.
Coding change: c.4961C>T on transcript NM_003803.4 (MANE Select); coding-DNA position 4961, C replaced by T.
Protein change: p.Ser1654Leu; replaces serine 1654 with leucine.
Molecular consequence: missense variant.
Genome position (GRCh38, 1-based): chr18:3,067,359, G>A on the plus strand (C>T on the coding strand, the complement: MYOM1 is on the minus strand). VCF-style: chr18-3067359-G-A. GRCh37 (hg19) VCF-style: chr18-3067357-G-A.
Other names: c.4673C>T, p.Ser1558Leu (NM_019856.2); short protein forms S1654L, S1558L.
Identifiers: ClinVar variation 416035 (VCV000416035.17), dbSNP rs199531701, ClinGen allele CA8873711.

ClinVar aggregate classification (germline): Conflicting classifications of pathogenicity. Review status: criteria provided, conflicting classifications (1 of 4 stars). 3 submissions from 3 submitters: Uncertain significance (1); Benign (1). 1 of the submissions does not count toward it. Last evaluated 2025-12-30.

Conditions:
MYOM1-related disorder.
Hypertrophic cardiomyopathy. Also called: HYPERTROPHIC MYOCARDIOPATHY. Identifiers: Orphanet 217569, MedGen C0007194, MeSH D002312, MONDO:0005045, HP:0001639.

Allele frequency attached by ClinVar (database versions not stated): ESP Exome Variant Server 0.00015; gnomAD 0.00023 and 0.00027; TOPMed 0.00049.
gnomAD v4.1: 292 of 1,612,622 alleles (0.018%); highest among the groups gnomAD compares: Admixed American, 0.45%; 2 homozygotes.

Submissions (3):

Labcorp Genetics (formerly Invitae), Labcorp
Classification: Benign for Hypertrophic cardiomyopathy. Last evaluated: 2025-12-30. Review status: criteria provided, single submitter. Criteria: Invitae Variant Classification Sherloc (09022015). Collection method: clinical testing. Allele origin: germline.

Ambry Genetics
Classification: Uncertain significance. Last evaluated: 2025-08-19. Review status: criteria provided, single submitter. Criteria: Ambry Variant Classification Scheme 2023. Collection method: clinical testing. Allele origin: germline.
Comment: The p.S1654L variant (also known as c.4961C>T), located in coding exon 37 of the MYOM1 gene, results from a C to T substitution at nucleotide position 4961. The serine at codon 1654 is replaced by leucine, an amino acid with dissimilar properties. This amino acid position is conserved. In addition, this alteration is predicted to be tolerated by in silico analysis. Since supporting evidence is limited at this time, the clinical significance of this alteration remains unclear.

PreventionGenetics, part of Exact Sciences
Classification: Likely benign for MYOM1-related condition. Last evaluated: 2019-09-30. Review status: no assertion criteria provided. Collection method: clinical testing. Allele origin: germline. Not counted in ClinVar's aggregate classification.
Comment: This variant is classified as likely benign based on ACMG/AMP sequence variant interpretation guidelines (Richards et al. 2015 PMID: 25741868, with internal and published modifications).